The following is an entry in ClinVar:

ClinVar aggregate classification (germline): Uncertain significance (1 of 4 stars; one submission).

Submission:

Labcorp Genetics (formerly Invitae), Labcorp
Classification: Uncertain significance. Last evaluated: 2024-10-27. Review status: criteria provided, single submitter. Criteria: Invitae Variant Classification Sherloc (09022015). Collection method: clinical testing. Allele origin: germline.
Comment: This sequence change replaces methionine, which is neutral and non-polar, with leucine, which is neutral and non-polar, at codon 1103 of the SETBP1 protein (p.Met1103Leu). This variant is not present in population databases (gnomAD no frequency). This variant has not been reported in the literature in individuals affected with SETBP1-related conditions. Invitae Evidence Modeling of protein sequence and biophysical properties (such as structural, functional, and spatial information, amino acid conservation, physicochemical variation, residue mobility, and thermodynamic stability) indicates that this missense variant is not expected to disrupt SETBP1 protein function with a negative predictive value of 80%. In summary, the available evidence is currently insufficient to determine the role of this variant in disease. Therefore, it has been classified as a Variant of Uncertain Significance.

NM_015559.3(SETBP1):c.3307A>T (p.Met1103Leu)

Gene: SETBP1 (SET binding protein 1; plus strand). Cytogenetic location: 18q12.3.
Variant type: single nucleotide variant.
Coding change: c.3307A>T on transcript NM_015559.3 (MANE Select); coding-DNA position 3307, A replaced by T.
Protein change: p.Met1103Leu; replaces methionine 1103 with leucine.
Molecular consequence: missense variant.
Genome position (GRCh38, 1-based): chr18:44,952,647, A>T. VCF-style: chr18-44952647-A-T. GRCh37 (hg19) VCF-style: chr18-42532612-A-T.
Other names: c.3307A>T, p.Met1103Leu (NM_001379141.1, NM_001379142.1, NM_001410862.1); short protein forms M1103L.
Identifiers: ClinVar variation 3681326 (VCV003681326.2).